The following is an entry in ClinVar:

ClinVar aggregate classification (germline): Likely benign (1 of 4 stars; one submission).

Submission:

CeGaT Center for Human Genetics Tuebingen
Classification: Likely benign. Last evaluated: 2026-06-01. Review status: criteria provided, single submitter. Criteria: CeGaT Center For Human Genetics Tuebingen Variant Classification Criteria Version 2. Collection method: clinical testing. Allele origin: germline. Affected: yes. Observed: 1 variant allele.
Comment: RERE: PM2:Supporting, BP4, BP7

NM_001042681.2(RERE):c.2661C>A (p.Thr887=)

Gene: RERE (arginine-glutamic acid dipeptide repeats; minus strand). Cytogenetic location: 1p36.23.
Variant type: single nucleotide variant.
Coding change: c.2661C>A on transcript NM_001042681.2 (MANE Select); coding-DNA position 2661, C replaced by A.
Protein change: p.Thr887=; no amino-acid change (threonine 887 retained).
Molecular consequence: synonymous variant.
Genome position (GRCh38, 1-based): chr1:8,360,846, G>T on the plus strand (C>A on the coding strand, the complement: RERE is on the minus strand). VCF-style: chr1-8360846-G-T. GRCh37 (hg19) VCF-style: chr1-8420906-G-T.
Other names: c.999C>A, p.Thr333= (NM_001042682.2); c.2661C>A, p.Thr887= (NM_012102.4).
Identifiers: ClinVar variation 2638167 (VCV002638167.24), dbSNP rs1641541990, ClinGen allele CA416029800.
Genomic context (GRCh38, chr1:8,360,846, plus strand): 5'-CAGCGCTGACTGAGAGGCTGGCAGCTGCAGGGAGGTGTGAGGGTACGCTGCTGCTGGGGA[G>T]GTCCCCAGAGGGGCCTGGCCTTGGGAGGCCTGGGGAGGGAGGCCAAAGGGCTGTGGGGGG-3'
Protein context (NP_001036146.1, residues 877-897): QASQGQAPLG[Thr887=]SPAAAYPHTS